The following is an entry in ClinVar:

NM_000489.6(ATRX):c.5349A>G (p.Pro1783=)

Gene: ATRX (ATRX chromatin remodeler; minus strand). Cytogenetic location: Xq21.1.
Variant type: single nucleotide variant.
Coding change: c.5349A>G on transcript NM_000489.6 (MANE Select); coding-DNA position 5349, A replaced by G.
Protein change: p.Pro1783=; no amino-acid change (proline 1783 retained).
Molecular consequence: synonymous variant.
Genome position (GRCh38, 1-based): chrX:77,618,905, T>C on the plus strand (A>G on the coding strand, the complement: ATRX is on the minus strand). VCF-style: chrX-77618905-T-C. GRCh37 (hg19) VCF-style: chrX-76874373-T-C.
Other names: c.5235A>G, p.Pro1745= (NM_138270.5).
Identifiers: ClinVar variation 589393 (VCV000589393.21), dbSNP rs149960511, ClinGen allele CA10457690.

ClinVar aggregate classification (germline): Benign/Likely benign. Review status: criteria provided, multiple submitters, no conflicts (2 of 4 stars). 5 submissions from 5 submitters: Benign (2); Likely benign (2). 1 of the submissions does not count toward it. Last evaluated 2026-01-03.

Conditions:
ATRX-related disorder. Also called: ATRX-related condition.
Inborn genetic diseases. Identifiers: MedGen C0950123, MeSH D030342.
Alpha thalassemia-X-linked intellectual disability syndrome (ATRX). Also called: ALPHA-THALASSEMIA/IMPAIRED INTELLECTUAL DEVELOPMENT SYNDROME, X-LINKED; ALPHA-THALASSEMIA/MENTAL RETARDATION SYNDROME, X-LINKED; ATR, NONDELETION TYPE; X-linked alpha-thalassemia-mental retardation syndrome; ATR-X syndrome; Alpha thalassemia mental retardation syndrome, nondeletion type, X-linked. Identifiers: Orphanet 847, MedGen C1845055, MONDO:0010519, OMIM 301040.

Allele frequency attached by ClinVar (database versions not stated): gnomAD exomes 0.00020 and 0.00006; ExAC 0.00021; ESP Exome Variant Server 0.00104; 1000 Genomes Project 30x 0.00125; gnomAD 0.00056 and 0.00055; 1000 Genomes Project 0.00106; TOPMed 0.00079.
gnomAD v4.1: 127 of 1,197,963 alleles (0.011%); highest among the groups gnomAD compares: African/African-American, 0.21%; no homozygotes.

Submissions (5):

Labcorp Genetics (formerly Invitae), Labcorp
Classification: Benign for Alpha thalassemia-X-linked intellectual disability syndrome. Last evaluated: 2026-01-03. Review status: criteria provided, single submitter. Criteria: Invitae Variant Classification Sherloc (09022015). Collection method: clinical testing. Allele origin: germline.

Blueprint Genetics
Classification: Likely benign. Last evaluated: 2024-01-23. Review status: criteria provided, single submitter. Criteria: ACMG Guidelines, 2015. Collection method: clinical testing. Allele origin: germline.

GeneDx
Classification: Benign. Last evaluated: 2020-01-15. Review status: criteria provided, single submitter. Criteria: GeneDx Variant Classification Process June 2021. Collection method: clinical testing. Allele origin: germline. Affected: yes.

Ambry Genetics
Classification: Likely benign for Inborn genetic diseases. Last evaluated: 2016-09-16. Review status: criteria provided, single submitter. Criteria: Ambry Variant Classification Scheme 2023. Collection method: clinical testing. Allele origin: germline.

PreventionGenetics, part of Exact Sciences
Classification: Likely benign for ATRX-related condition. Last evaluated: 2019-05-21. Review status: no assertion criteria provided. Collection method: clinical testing. Allele origin: germline. Not counted in ClinVar's aggregate classification.
Comment: This variant is classified as likely benign based on ACMG/AMP sequence variant interpretation guidelines (Richards et al. 2015 PMID: 25741868, with internal and published modifications).